The following is an entry in ClinVar:

ClinVar aggregate classification (germline): Conflicting classifications of pathogenicity. Review status: criteria provided, conflicting classifications (1 of 4 stars). 5 submissions from 5 submitters: Uncertain significance (3); Likely benign (2). Last evaluated 2025-12-19.

Conditions:
Hereditary cancer-predisposing syndrome. Also called: Hereditary neoplastic syndrome; Neoplastic Syndromes, Hereditary; Tumor predisposition; Hereditary Cancer Syndrome. Identifiers: Orphanet 140162, MedGen C0027672, MeSH D009386, MONDO:0015356.
Hereditary breast ovarian cancer syndrome. Also called: Hereditary breast and ovarian cancer syndrome (HBOC); Breast and ovarian cancer; Hereditary breast and/or ovarian cancer syndrome; BRCA1- and BRCA2-Associated Hereditary Breast and Ovarian Cancer; Hereditary breast and ovarian cancer syndrome; Hereditary breast and ovarian cancer. Identifiers: Orphanet 145, MedGen C0677776, MeSH D061325, MONDO:0003582. Disease mechanism: loss of function.

Allele frequency attached by ClinVar (database versions not stated): gnomAD exomes 0.00001; TOPMed 0.00001.
gnomAD v4.1: 3 of 1,610,752 alleles (0.00019%); highest among the groups gnomAD compares: Non-Finnish European, 0.00025%; 1 homozygote.

Submissions (5):

Labcorp Genetics (formerly Invitae), Labcorp
Classification: Uncertain significance for Hereditary breast ovarian cancer syndrome. Last evaluated: 2025-12-19. Review status: criteria provided, single submitter. Criteria: Invitae Variant Classification Sherloc (09022015). Collection method: clinical testing. Allele origin: germline.
Comment: This sequence change replaces arginine, which is basic and polar, with serine, which is neutral and polar, at codon 1845 of the BRCA2 protein (p.Arg1845Ser). This variant is not present in population databases (gnomAD no frequency). This variant has not been reported in the literature in individuals affected with BRCA2-related conditions. ClinVar contains an entry for this variant (Variation ID: 185203). Invitae Evidence Modeling of protein sequence and biophysical properties (such as structural, functional, and spatial information, amino acid conservation, physicochemical variation, residue mobility, and thermodynamic stability) indicates that this missense variant is not expected to disrupt BRCA2 protein function with a negative predictive value of 95%. In summary, the available evidence is currently insufficient to determine the role of this variant in disease. Therefore, it has been classified as a Variant of Uncertain Significance.

Color Diagnostics, LLC DBA Color Health
Classification: Uncertain significance for Hereditary cancer-predisposing syndrome. Last evaluated: 2025-07-03. Review status: criteria provided, single submitter. Criteria: ACMG Guidelines, 2015. Collection method: clinical testing. Allele origin: germline.
Comment: This missense variant replaces arginine with serine at codon 1845 of the BRCA2 protein. Computational prediction suggests that this variant may not impact protein structure and function. To our knowledge, functional studies have not been reported for this variant. A multifactorial analysis has reported a likelihood ratio for pathogenicity based on personal and family history of 0.871 from log(LR)=-0.0598 for one carrier (PMID: 31853058). This variant has not been identified in the general population by the Genome Aggregation Database (gnomAD). The available evidence is insufficient to determine the role of this variant in disease conclusively. Therefore, this variant is classified as a Variant of Uncertain Significance.

Quest Diagnostics Nichols Institute San Juan Capistrano
Classification: Uncertain significance. Last evaluated: 2024-05-01. Review status: criteria provided, single submitter. Criteria: Quest Diagnostics criteria. Collection method: clinical testing. Allele origin: unknown.
Comment: The BRCA2 c.5535G>C (p.Arg1845Ser) variant has been reported in the published literature to be located in a region of the BRCA2 gene that is tolerant to missense sequence changes (PMID: 31911673 (2020)). This variant has not been reported in large, multi-ethnic general populations (Genome Aggregation Database). Analysis of this variant using bioinformatics tools for the prediction of the effect of amino acid changes on protein structure and function yielded predictions that this variant is benign. Based on the available information, we are unable to determine the clinical significance of this variant.

University of Washington Department of Laboratory Medicine, University of Washington
Classification: Likely benign for Hereditary cancer-predisposing syndrome. Last evaluated: 2023-03-23. Review status: criteria provided, single submitter. Criteria: Dines et al. (Genet Med. 2020). Collection method: curation. Allele origin: germline.
Comment: Missense variant in a coldspot region where missense variants are very unlikely to be pathogenic (PMID:31911673).

BRCA2 exon 11 coldspot. Reclassification based on statistical prior probability.

Ambry Genetics
Classification: Likely benign for Hereditary cancer-predisposing syndrome. Last evaluated: 2019-07-01. Review status: criteria provided, single submitter. Criteria: Ambry Variant Classification Scheme 2023. Collection method: clinical testing. Allele origin: germline.

Literature cited by the submitters: PubMed 31853058 (cited by Color Diagnostics, LLC DBA Color Health); PubMed 31911673 (cited by Quest Diagnostics Nichols Institute San Juan Capistrano).

NM_000059.4(BRCA2):c.5535G>C (p.Arg1845Ser)

Gene: BRCA2 (BRCA2 DNA repair associated; plus strand). Cytogenetic location: 13q13.1.
Variant type: single nucleotide variant.
Coding change: c.5535G>C on transcript NM_000059.4 (MANE Select); coding-DNA position 5535, G replaced by C.
Protein change: p.Arg1845Ser; replaces arginine 1845 with serine.
Molecular consequence: missense variant.
Genome position (GRCh38, 1-based): chr13:32,339,890, G>C. VCF-style: chr13-32339890-G-C. GRCh37 (hg19) VCF-style: chr13-32914027-G-C.
Other names: short protein forms R1845S.
Identifiers: ClinVar variation 185203 (VCV000185203.21), dbSNP rs786201997, ClinGen allele CA022501.